The following is an entry in ClinVar:

NM_000540.3(RYR1):c.5744A>C (p.Glu1915Ala)

Gene: RYR1 (ryanodine receptor 1; plus strand). Cytogenetic location: 19q13.2.
Variant type: single nucleotide variant.
Coding change: c.5744A>C on transcript NM_000540.3 (MANE Select); coding-DNA position 5744, A replaced by C.
Protein change: p.Glu1915Ala; replaces glutamic acid 1915 with alanine.
Molecular consequence: missense variant.
Genome position (GRCh38, 1-based): chr19:38,489,373, A>C. VCF-style: chr19-38489373-A-C. GRCh37 (hg19) VCF-style: chr19-38980013-A-C.
Other names: c.5744A>C, p.Glu1915Ala (NM_001042723.2); short protein forms E1915A.
Identifiers: ClinVar variation 3074803 (VCV003074803.1), dbSNP rs777680485, ClinGen allele CA067414.
Genomic context (GRCh38, chr19:38,489,373, plus strand): 5'-ATGAGGAGGAAACAGCACAGGAAAAGGAAGATGAGGAAAAAGAGGAAGAGGAGGCAGCAG[A>C]AGGGGAGAAAGAAGAAGGCTTGGAGGAAGGGCTGCTCCAGATGAAGTTGCCAGAGTCTGT-3'
Protein context (NP_000531.2, residues 1905-1925): DEEKEEEEAA[Glu1915Ala]GEKEEGLEEG

ClinVar aggregate classification (germline): Uncertain significance (1 of 4 stars; one submission).

Conditions:
Malignant hyperthermia, susceptibility to, 1 (MHS1). Also called: Anesthesia related hyperthermia; Malignant hyperpyrexia; Fulminating hyperpyrexia; Pharmacogenic myopathy; RYR1-Related Malignant Hyperthermia Susceptibility; Malignant hyperthermia suceptibility 1. Identifiers: Orphanet 423, MedGen C2930980, MONDO:0007783, OMIM 145600.

Allele frequency attached by ClinVar (database versions not stated): TOPMed below 0.00001; ExAC 0.00001.
gnomAD v4.1: 4 of 1,613,988 alleles (0.00025%); highest among the groups gnomAD compares: South Asian, 0.0044%; no homozygotes.

Submission:

All of Us Research Program, National Institutes of Health
Classification: Uncertain significance for Malignant hyperthermia, susceptibility to, 1. Last evaluated: 2024-01-08. Review status: criteria provided, single submitter. Criteria: ACMG Guidelines, 2015. Collection method: clinical testing. Allele origin: germline. Inheritance: Autosomal dominant inheritance. Observed: 1 variant allele, 1 heterozygote.
Comment: This missense variant replaces glutamic acid with alanine at codon 1915 of the RYR1 protein. Computational prediction suggests that this variant may not impact protein structure and function (internally defined REVEL score threshold <= 0.5, PMID: 27666373). To our knowledge, functional studies have not been reported for this variant. This variant has not been reported in individuals affected with RYR1-related disorders in the literature. This variant has been identified in 1/248952 chromosomes in the general population by the Genome Aggregation Database (gnomAD). The available evidence is insufficient to determine the role of this variant in disease conclusively. Therefore, this variant is classified as a Variant of Uncertain Significance.

This study involves interpretation of variants in research participants for the purpose of population health screening. Participant phenotype was not available at the time of variant classification. Additional details can be found in publication PMID: 35346344, PMCID: PMC8962531